The following is an entry in ClinVar:

NM_006005.3(WFS1):c.583G>A (p.Val195Met)

Gene: WFS1 (wolframin ER transmembrane glycoprotein; plus strand). Cytogenetic location: 4p16.1.
Variant type: single nucleotide variant.
Coding change: c.583G>A on transcript NM_006005.3 (MANE Select); coding-DNA position 583, G replaced by A.
Protein change: p.Val195Met; replaces valine 195 with methionine.
Molecular consequence: missense variant.
Genome position (GRCh38, 1-based): chr4:6,291,319, G>A. VCF-style: chr4-6291319-G-A. GRCh37 (hg19) VCF-style: chr4-6293046-G-A.
Other names: c.583G>A, p.Val195Met (NM_001145853.1); short protein forms V195M.
Identifiers: ClinVar variation 3621440 (VCV003621440.4).
Genomic context (GRCh38, chr4:6,291,319, plus strand): 5'-GCCGTGCGCAAGGCAGCCCTGGTCATGTACTGGAAGCTCAACCCCAAGAAGAAGAAGCAG[G>A]TGGCCGTGGCGGAGCTGCTGGAGAATGTCGGCCAGGTCAACGAGCACGGTGCGAGGATTC-3'
Protein context (NP_005996.2, residues 185-205): WKLNPKKKKQ[Val195Met]AVAELLENVG

ClinVar aggregate classification (germline): Uncertain significance. Review status: criteria provided, multiple submitters, no conflicts (2 of 4 stars). 2 submissions from 2 submitters: Uncertain significance (2). Last evaluated 2025-08-07.

Submissions (2):

Dasa
Classification: Uncertain significance. Last evaluated: 2025-08-07. Review status: criteria provided, single submitter. Criteria: DASA Assertion Criteria. Collection method: clinical testing. Allele origin: germline.
Comment: NM_006005.3(WFS1):c.583G>A (p.Val195Met) is a missense variant that results in the substitution of valine with methionine. This variant is absent from population databases. Computational prediction algorithms are consistent with a deleterious effect. The currently available literature and clinical evidence are not sufficient to establish a definitive association between this variant and the reported condition. Therefore, this variant is classified as a variant of uncertain significance.

Labcorp Genetics (formerly Invitae), Labcorp
Classification: Uncertain significance. Last evaluated: 2024-02-20. Review status: criteria provided, single submitter. Criteria: Invitae Variant Classification Sherloc (09022015). Collection method: clinical testing. Allele origin: germline.
Comment: This sequence change replaces valine, which is neutral and non-polar, with methionine, which is neutral and non-polar, at codon 195 of the WFS1 protein (p.Val195Met). This variant is not present in population databases (gnomAD no frequency). This variant has not been reported in the literature in individuals affected with WFS1-related conditions. Advanced modeling of protein sequence and biophysical properties (such as structural, functional, and spatial information, amino acid conservation, physicochemical variation, residue mobility, and thermodynamic stability) has been performed at Invitae for this missense variant, however the output from this modeling did not meet the statistical confidence thresholds required to predict the impact of this variant on WFS1 protein function. In summary, the available evidence is currently insufficient to determine the role of this variant in disease. Therefore, it has been classified as a Variant of Uncertain Significance.